The following is an entry in ClinVar:

ClinVar aggregate classification (germline): Uncertain significance (1 of 4 stars; one submission).

Conditions:
Mowat-Wilson syndrome (MOWS). Also called: Classic Mowat-Wilson Syndrome. Identifiers: Orphanet 2152, MedGen C1856113, MONDO:0009341, OMIM 235730.

Allele frequency attached by ClinVar (database versions not stated): TOPMed below 0.00001.
gnomAD v4.1: 1 of 1,611,244 alleles (0.000062%); highest among the groups gnomAD compares: Non-Finnish European, 0.000085%; no homozygotes.

Submission:

Labcorp Genetics (formerly Invitae), Labcorp
Classification: Uncertain significance for Mowat-Wilson syndrome. Last evaluated: 2024-12-09. Review status: criteria provided, single submitter. Criteria: Invitae Variant Classification Sherloc (09022015). Collection method: clinical testing. Allele origin: germline.
Comment: This sequence change replaces histidine, which is basic and polar, with arginine, which is basic and polar, at codon 1100 of the ZEB2 protein (p.His1100Arg). This variant is not present in population databases (gnomAD no frequency). This variant has not been reported in the literature in individuals affected with ZEB2-related conditions. ClinVar contains an entry for this variant (Variation ID: 2889888). An algorithm developed to predict the effect of missense changes on protein structure and function (PolyPhen-2) suggests that this variant is likely to be disruptive. In summary, the available evidence is currently insufficient to determine the role of this variant in disease. Therefore, it has been classified as a Variant of Uncertain Significance.

NM_014795.4(ZEB2):c.3299A>G (p.His1100Arg)

Gene: ZEB2 (zinc finger E-box binding homeobox 2; minus strand). Cytogenetic location: 2q22.3.
Variant type: single nucleotide variant.
Coding change: c.3299A>G on transcript NM_014795.4 (MANE Select); coding-DNA position 3299, A replaced by G.
Protein change: p.His1100Arg; replaces histidine 1100 with arginine.
Molecular consequence: missense variant.
Genome position (GRCh38, 1-based): chr2:144,389,797, T>C on the plus strand (A>G on the coding strand, the complement: ZEB2 is on the minus strand). VCF-style: chr2-144389797-T-C. GRCh37 (hg19) VCF-style: chr2-145147364-T-C.
Other names: c.3227A>G, p.His1076Arg (NM_001171653.2); short protein forms H1100R, H1076R.
Identifiers: ClinVar variation 2889888 (VCV002889888.3), dbSNP rs1703132438, ClinGen allele CA348699781.